The following is an entry in ClinVar:

NM_001111.5(ADAR):c.3305A>G (p.Asn1102Ser)

Gene: ADAR (adenosine deaminase RNA specific; minus strand). Cytogenetic location: 1q21.3.
Variant type: single nucleotide variant.
Coding change: c.3305A>G on transcript NM_001111.5 (MANE Select); coding-DNA position 3305, A replaced by G.
Protein change: p.Asn1102Ser; replaces asparagine 1102 with serine.
Molecular consequence: missense variant.
Genome position (GRCh38, 1-based): chr1:154,585,763, T>C on the plus strand (A>G on the coding strand, the complement: ADAR is on the minus strand). VCF-style: chr1-154585763-T-C. GRCh37 (hg19) VCF-style: chr1-154558239-T-C.
Other names: c.2420A>G, p.Asn807Ser (NM_001025107.3, NM_001193495.2, NM_001365046.1 and 2 more transcripts); c.3332A>G, p.Asn1111Ser (NM_001365045.1); c.2342A>G, p.Asn781Ser (NM_001365049.1); c.3227A>G, p.Asn1076Ser (NM_015840.4); c.3170A>G, p.Asn1057Ser (NM_015841.4); short protein forms N1102S, N1111S, N781S, N1057S, N807S, N1076S.
Identifiers: ClinVar variation 1350236 (VCV001350236.8), dbSNP rs1321911338, ClinGen allele CA342635275.

ClinVar aggregate classification (germline): Uncertain significance (1 of 4 stars; one submission).

Conditions:
Symmetrical dyschromatosis of extremities (DSH). Also called: DYSCHROMATOSIS SYMMETRICA HEREDITARIA 1; RETICULATE ACROPIGMENTATION OF DOHI; SYMMETRIC DYSCHROMATOSIS OF THE EXTREMITIES; Dyschromatosis symmetrica hereditaria. Identifiers: Orphanet 41, MedGen C0406775, MONDO:0007483, OMIM 127400.
Aicardi-Goutieres syndrome 6 (AGS6). Identifiers: Orphanet 51, MedGen C3539013, MONDO:0014007, OMIM 615010.

Allele frequency attached by ClinVar (database versions not stated): gnomAD 0.00001; TOPMed 0.00001.
gnomAD v4.1: 2 of 1,613,486 alleles (0.00012%); highest among the groups gnomAD compares: Admixed American, 0.0017%; no homozygotes.

Submission:

Labcorp Genetics (formerly Invitae), Labcorp
Classification: Uncertain significance for Aicardi-Goutieres syndrome 6; Symmetrical dyschromatosis of extremities. Last evaluated: 2025-05-18. Review status: criteria provided, single submitter. Criteria: Invitae Variant Classification Sherloc (09022015). Collection method: clinical testing. Allele origin: germline.
Comment: This sequence change replaces asparagine, which is neutral and polar, with serine, which is neutral and polar, at codon 1102 of the ADAR protein (p.Asn1102Ser). This variant is not present in population databases (gnomAD no frequency). This variant has not been reported in the literature in individuals affected with ADAR-related conditions. ClinVar contains an entry for this variant (Variation ID: 1350236). Invitae Evidence Modeling of protein sequence and biophysical properties (such as structural, functional, and spatial information, amino acid conservation, physicochemical variation, residue mobility, and thermodynamic stability) indicates that this missense variant is not expected to disrupt ADAR protein function with a negative predictive value of 80%. In summary, the available evidence is currently insufficient to determine the role of this variant in disease. Therefore, it has been classified as a Variant of Uncertain Significance.